The following is an entry in ClinVar:

NM_000618.5(IGF1):c.*2364A>G

Genes: IGF1 (insulin like growth factor 1; minus strand), LINC02456 (long intergenic non-protein coding RNA 2456; plus strand). Cytogenetic location: 12q23.2.
Variant type: single nucleotide variant.
Coding change: c.*2364A>G on transcript NM_000618.5 (MANE Select); 2364 bases downstream of the stop codon, A replaced by G.
Molecular consequence: 3 prime UTR variant.
Genome position (GRCh38, 1-based): chr12:102,400,143, T>C on the plus strand (A>G on the coding strand, the complement: IGF1 is on the minus strand). VCF-style: chr12-102400143-T-C. GRCh37 (hg19) VCF-style: chr12-102793921-T-C.
Other names: c.*2398A>G (NM_001111283.3); c.*2364A>G (NM_001111284.2).
Identifiers: ClinVar variation 306887 (VCV000306887.6), dbSNP rs5742704, ClinGen allele CA10640702.

ClinVar aggregate classification (germline): Benign. Review status: criteria provided, multiple submitters, no conflicts (2 of 4 stars). 2 submissions from 2 submitters: Benign (2). Last evaluated 2018-01-13.

Conditions:
Growth delay due to insulin-like growth factor type 1 deficiency (IGF1D). Also called: GROWTH RETARDATION WITH SENSORINEURAL DEAFNESS AND MENTAL RETARDATION; IGF1 DEFICIENCY. Identifiers: Orphanet 73272, MedGen C1837475, MONDO:0012110, OMIM 608747.

Allele frequency attached by ClinVar (database versions not stated): 1000 Genomes Project 0.02077; TOPMed 0.02683; gnomAD 0.02724 and 0.02866.

Submissions (2):

Illumina Laboratory Services, Illumina
Classification: Benign for Growth delay due to insulin-like growth factor type 1 deficiency. Last evaluated: 2018-01-13. Review status: criteria provided, single submitter. Criteria: ICSL Variant Classification Criteria 13 December 2019. Collection method: clinical testing. Allele origin: germline.
Comment: This variant was observed in the ICSL laboratory as part of a predisposition screen in an ostensibly healthy population. It had not been previously curated by ICSL or reported in the Human Gene Mutation Database (HGMD: prior to June 1st, 2018), and was therefore a candidate for classification through an automated scoring system. Utilizing variant allele frequency, disease prevalence and penetrance estimates, and inheritance mode, an automated score was calculated to assess if this variant is too frequent to cause the disease. Based on the score and internal cut-off values, a variant classified as benign is not then subjected to further curation. The score for this variant resulted in a classification of benign for this disease.

Breakthrough Genomics
Classification: Benign. Review status: criteria provided, single submitter. Criteria: ACMG Guidelines, 2015. Collection method: not provided. Allele origin: germline. Inheritance: Autosomal recessive inheritance. Affected: yes.